The following is an entry in ClinVar:

NM_007294.4(BRCA1):c.5190T>A (p.Asn1730Lys)

Gene: BRCA1 (BRCA1 DNA repair associated; minus strand). Cytogenetic location: 17q21.31.
Variant type: single nucleotide variant.
Coding change: c.5190T>A on transcript NM_007294.4 (MANE Select); coding-DNA position 5190, T replaced by A.
Protein change: p.Asn1730Lys; replaces asparagine 1730 with lysine.
Molecular consequence: missense variant. On other transcripts: non-coding transcript variant (1).
Genome position (GRCh38, 1-based): chr17:43,063,336, A>T on the plus strand (T>A on the coding strand, the complement: BRCA1 is on the minus strand). VCF-style: chr17-43063336-A-T. GRCh37 (hg19) VCF-style: chr17-41215353-A-T.
Other names: c.4857T>A, p.Asn1619Lys (NM_001407948.1, NM_001407949.1, NM_001407946.1 and 1 more transcripts); c.4854T>A, p.Asn1618Lys (NM_001407950.1, NM_001407951.1, NM_001407952.1 and 3 more transcripts); c.4683T>A, p.Asn1561Lys (NM_001407965.1); c.4302T>A, p.Asn1434Lys (NM_001407966.1); c.4299T>A, p.Asn1433Lys (NM_001407967.1); c.2586T>A, p.Asn862Lys (NM_001407968.1); c.2583T>A, p.Asn861Lys (NM_001407969.1); c.1947T>A, p.Asn649Lys (NM_001407970.1, NM_001407971.1); and 72 more; short protein forms N1683K, N1751K, N1730K, N626K, N1433K, N1434K, N1602K, N1618K.
Identifiers: ClinVar variation 867455 (VCV000867455.3), dbSNP rs2051855598, ClinGen allele CA10591162.
Genomic context (GRCh38, chr17:43,063,336, plus strand): 5'-TTTTAACTATATGACTGAATGAATATCTCTGGTTAGTTTGTAACATCAAGTACTTACCTC[A>T]TTCAGCATTTTTCTTTCTTTAATAGACTGGGTCACCCCTAAAGAGATCATAGAAAAGACA-3'
Protein context (NP_009225.1, residues 1720-1740): TQSIKERKML[Asn1730Lys]EHDFEVRGDV

Conditions:
Breast-ovarian cancer, familial, susceptibility to, 1 (BROVCA1). Also called: BRCA1 Hereditary Breast and Ovarian Cancer; OVARIAN CANCER, SUSCEPTIBILITY TO. Identifiers: Orphanet 145, MedGen C2676676, MONDO:0011450, OMIM 604370. Disease mechanism: loss of function.

Submission:

Brotman Baty Institute, University of Washington
No classification provided (evidence only). Condition: Breast-ovarian cancer, familial 1. Review status: no classification provided. Collection method: in vitro. Allele origin: not applicable. Functional consequence: functionally_normal.
ClinVar note: "not provided" was previously submitted as the classification for the variant. However, the classification appeared to be based only on an observation of functional data so it was converted to no classification on 2025-07-30.